The following is an entry in ClinVar:

NM_033310.3(KCNK4):c.929C>T (p.Pro310Leu)

Genes: KCNK4 (potassium two pore domain channel subfamily K member 4; plus strand), KCNK4-CATSPERZ (KCNK4-CATSPERZ readthrough (NMD candidate); plus strand). Cytogenetic location: 11q13.1.
Variant type: single nucleotide variant.
Coding change: c.929C>T on transcript NM_033310.3 (MANE Select); coding-DNA position 929, C replaced by T.
Protein change: p.Pro310Leu; replaces proline 310 with leucine.
Molecular consequence: missense variant. On other transcripts: non-coding transcript variant (3).
Genome position (GRCh38, 1-based): chr11:64,299,473, C>T. VCF-style: chr11-64299473-C-T. GRCh37 (hg19) VCF-style: chr11-64066945-C-T.
Other names: c.929C>T, p.Pro310Leu (NM_001317090.2, NM_033311.1); short protein forms P310L.
Identifiers: ClinVar variation 2714243 (VCV002714243.3), dbSNP rs2034868071, ClinGen allele CA381067817.

ClinVar aggregate classification (germline): Uncertain significance (1 of 4 stars; one submission).

Allele frequency attached by ClinVar (database versions not stated): gnomAD exomes below 0.00001; TOPMed below 0.00001.
gnomAD v4.1: 4 of 1,606,466 alleles (0.00025%); highest among the groups gnomAD compares: Non-Finnish European, 0.00034%; no homozygotes.

Submission:

Labcorp Genetics (formerly Invitae), Labcorp
Classification: Uncertain significance. Last evaluated: 2024-01-30. Review status: criteria provided, single submitter. Criteria: Invitae Variant Classification Sherloc (09022015). Collection method: clinical testing. Allele origin: germline.
Comment: This sequence change replaces proline, which is neutral and non-polar, with leucine, which is neutral and non-polar, at codon 310 of the KCNK4 protein (p.Pro310Leu). This variant is not present in population databases (gnomAD no frequency). This variant has not been reported in the literature in individuals affected with KCNK4-related conditions. An algorithm developed to predict the effect of missense changes on protein structure and function (PolyPhen-2) suggests that this variant is likely to be tolerated. In summary, the available evidence is currently insufficient to determine the role of this variant in disease. Therefore, it has been classified as a Variant of Uncertain Significance.